The following continues an entry in ClinVar:

NM_000350.3(ABCA4):c.4919G>A (p.Arg1640Gln)

ClinVar aggregate classification (germline): Pathogenic/Likely pathogenic. Pathogenic (14); Likely pathogenic (2).

Submissions 16 to 21 of 21:

Clinical Genetics Service, Universitary Hospital 12 de Octubre
Classification: Pathogenic for Severe early-childhood-onset retinal dystrophy. Review status: criteria provided, single submitter. Criteria: ACMG Guidelines, 2015. Collection method: clinical testing. Allele origin: germline. Affected: yes.

Sharon lab, Hadassah-Hebrew University Medical Center
Classification: Pathogenic for Stargardt disease. Last evaluated: 2019-06-23. Review status: no assertion criteria provided. Collection method: research. Allele origin: inherited. Affected: yes. Not counted in ClinVar's aggregate classification.

Department of Clinical Genetics, Copenhagen University Hospital, Rigshospitalet
Classification: Pathogenic for Stargardt disease. Last evaluated: 2018-04-01. Review status: no assertion criteria provided. Collection method: research. Allele origin: unknown. Affected: yes. Study: VeluxRD. Not counted in ClinVar's aggregate classification.

NIHR Bioresource Rare Diseases, University of Cambridge
Classification: Uncertain significance for Retinal dystrophy. Last evaluated: 2015-01-01. Review status: no assertion criteria provided. Collection method: research. Allele origin: unknown. Affected: yes. Observed: 1 variant allele. Not counted in ClinVar's aggregate classification.

Ophthalmo-Genetics Lab, Instituto de Oftalmologia Conde de Valenciana
Classification: Pathogenic for Severe early-childhood-onset retinal dystrophy. Review status: no assertion criteria provided. Collection method: research. Allele origin: germline. Inheritance: Autosomal recessive inheritance. Affected: yes. Not counted in ClinVar's aggregate classification.

Retina International
No classification provided. Review status: no classification provided. Collection method: not provided. Allele origin: not provided. Not counted in ClinVar's aggregate classification.

Literature cited by the submitters: PubMed 10711710 (cited by 5 submitters); PubMed 11527935 (cited by Labcorp Genetics (formerly Invitae), Labcorp and Eurofins Ntd Llc (ga)); PubMed 23755871 (cited by 3 submitters); PubMed 26103963 (cited by Labcorp Genetics (formerly Invitae), Labcorp); PubMed 28118664 (cited by 3 submitters); PubMed 9781034 (cited by 3billion); PubMed 28041643 (cited by Institute of Human Genetics, Univ. Regensburg, Univ. Regensburg and NIHR Bioresource Rare Diseases, University of Cambridge); PubMed 31589614 (cited by Institute of Human Genetics, Univ. Regensburg, Univ. Regensburg); PubMed 29925512 (cited by Institute of Human Genetics, Univ. Regensburg, Univ. Regensburg); PubMed 31573552 (cited by Institute of Human Genetics, Univ. Regensburg, Univ. Regensburg); PubMed 31964843 (cited by Institute of Human Genetics, Univ. Regensburg, Univ. Regensburg); PubMed 31429209 (cited by Institute of Human Genetics, Univ. Regensburg, Univ. Regensburg); PubMed 32307445 (cited by Institute of Human Genetics, Univ. Regensburg, Univ. Regensburg); PubMed 31456290 (cited by Institute of Human Genetics, Univ. Regensburg, Univ. Regensburg); PubMed 32581362 (cited by Institute of Human Genetics, Univ. Regensburg, Univ. Regensburg); PubMed 32531858 (cited by Institute of Human Genetics, Univ. Regensburg, Univ. Regensburg); PubMed 32037395 (cited by Institute of Human Genetics, Univ. Regensburg, Univ. Regensburg); PubMed 31736247 (cited by Institute of Human Genetics, Univ. Regensburg, Univ. Regensburg); PubMed 34148116 (cited by Institute of Human Genetics, Univ. Regensburg, Univ. Regensburg); PubMed 33749171 (cited by Institute of Human Genetics, Univ. Regensburg, Univ. Regensburg); PubMed 35119454 (cited by Institute of Human Genetics, Univ. Regensburg, Univ. Regensburg); PubMed 35260635 (cited by Institute of Human Genetics, Univ. Regensburg, Univ. Regensburg); PubMed 36209838 (cited by Institute of Human Genetics, Univ. Regensburg, Univ. Regensburg); PubMed 36460718 (cited by Institute of Human Genetics, Univ. Regensburg, Univ. Regensburg); PubMed 19074458 (cited by Eurofins Ntd Llc (ga)); PubMed 30718709 (cited by Department of Clinical Genetics, Copenhagen University Hospital, Rigshospitalet).